The following is an entry in ClinVar:

ClinVar aggregate classification (germline): Uncertain significance (1 of 4 stars; one submission).

Submission:

Labcorp Genetics (formerly Invitae), Labcorp
Classification: Uncertain significance. Last evaluated: 2024-08-05. Review status: criteria provided, single submitter. Criteria: Invitae Variant Classification Sherloc (09022015). Collection method: clinical testing. Allele origin: germline.
Comment: This sequence change replaces glutamine, which is neutral and polar, with arginine, which is basic and polar, at codon 1948 of the KAT6A protein (p.Gln1948Arg). This variant is not present in population databases (gnomAD no frequency). This variant has not been reported in the literature in individuals affected with KAT6A-related conditions. ClinVar contains an entry for this variant (Variation ID: 1946798). Experimental studies and prediction algorithms are not available or were not evaluated, and the functional significance of this variant is currently unknown. In summary, the available evidence is currently insufficient to determine the role of this variant in disease. Therefore, it has been classified as a Variant of Uncertain Significance.

NM_006766.5(KAT6A):c.5843A>G (p.Gln1948Arg)

Gene: KAT6A (lysine acetyltransferase 6A; minus strand). Cytogenetic location: 8p11.21.
Variant type: single nucleotide variant.
Coding change: c.5843A>G on transcript NM_006766.5 (MANE Select); coding-DNA position 5843, A replaced by G.
Protein change: p.Gln1948Arg; replaces glutamine 1948 with arginine.
Molecular consequence: missense variant.
Genome position (GRCh38, 1-based): chr8:41,932,377, T>C on the plus strand (A>G on the coding strand, the complement: KAT6A is on the minus strand). VCF-style: chr8-41932377-T-C. GRCh37 (hg19) VCF-style: chr8-41789895-T-C.
Other names: short protein forms Q1948R.
Identifiers: ClinVar variation 1946798 (VCV001946798.4), dbSNP rs1024831278, ClinGen allele CA371060206.